The following is an entry in ClinVar:

ClinVar aggregate classification (germline): Likely benign (1 of 4 stars; one submission).

Submission:

CeGaT Center for Human Genetics Tuebingen
Classification: Likely benign. Last evaluated: 2024-04-01. Review status: criteria provided, single submitter. Criteria: CeGaT Center For Human Genetics Tuebingen Variant Classification Criteria Version 2. Collection method: clinical testing. Allele origin: germline. Affected: yes. Observed: 5 variant alleles.
Comment: CERT1: BS1

NM_001379002.1(CERT1):c.*9+5200dup

Gene: CERT1 (ceramide transporter 1; minus strand). Cytogenetic location: 5q13.3.
Variant type: Duplication.
Coding change: c.*9+5200dup on transcript NM_001379002.1; 5200 bases into the intron after 9 bases downstream of the stop codon, one base duplicated (A; older notation c.*9+5200dupA).
Molecular consequence: intron variant. On other transcripts: 3 prime UTR variant (3), frameshift variant (1).
Genome position (GRCh38, 1-based): chr5:75,374,137, T duplicated on the plus strand (A on the coding strand, the reverse complement: CERT1 is on the minus strand); the first of 10 consecutive T bases (chr5:75,374,137-75,374,146); duplicating any one gives the same sequence. VCF-style (leftmost placement, unchanged base first): chr5-75374136-C-CT. GRCh37 (hg19) VCF-style: chr5-74669961-C-CT.
Other names: c.*64dup (NM_001130105.1, NM_005713.3, NM_031361.3); c.1724dup, p.Leu576fs (NM_001379004.1); c.*9+5200dup (NM_001379003.1); short protein forms L576fs.
Identifiers: ClinVar variation 2673015 (VCV002673015.21), dbSNP rs545323650, ClinGen allele CA120935680.